The following is an entry in ClinVar:

NM_001130987.2(DYSF):c.5296G>C (p.Glu1766Gln)

Gene: DYSF (dysferlin; plus strand). Cytogenetic location: 2p13.2.
Variant type: single nucleotide variant.
Coding change: c.5296G>C on transcript NM_001130987.2 (MANE Select); coding-DNA position 5296, G replaced by C.
Protein change: p.Glu1766Gln; replaces glutamic acid 1766 with glutamine.
Molecular consequence: missense variant.
Genome position (GRCh38, 1-based): chr2:71,665,283, G>C. VCF-style: chr2-71665283-G-C. GRCh37 (hg19) VCF-style: chr2-71892413-G-C.
Other names: c.5182G>C, p.Glu1728Gln (NM_001130455.2); c.5137G>C, p.Glu1713Gln (NM_001130976.2); c.5200G>C, p.Glu1734Gln (NM_001130977.2); c.5242G>C, p.Glu1748Gln (NM_001130978.2); c.5272G>C, p.Glu1758Gln (NM_001130979.2); c.5230G>C, p.Glu1744Gln (NM_001130980.2); c.5293G>C, p.Glu1765Gln (NM_001130981.2); c.5275G>C, p.Glu1759Gln (NM_001130982.2); and 5 more; short protein forms E1714Q, E1734Q, E1745Q, E1748Q, E1749Q, E1758Q, E1765Q, E1766Q.
Identifiers: ClinVar variation 1397878 (VCV001397878.6), dbSNP rs2094975881, ClinGen allele CA347221150.

ClinVar aggregate classification (germline): Uncertain significance (1 of 4 stars; one submission).

Conditions:
Neuromuscular disease caused by qualitative or quantitative defects of dysferlin. Also called: Qualitative or quantitative defects of dysferlin; Dysferlinopathy. Identifiers: Orphanet 207073, MedGen C2931687, MONDO:0016145.

gnomAD v4.1: 2 of 1,614,166 alleles (0.00012%); no homozygotes.

Submission:

Labcorp Genetics (formerly Invitae), Labcorp
Classification: Uncertain significance for Neuromuscular disease caused by qualitative or quantitative defects of dysferlin. Last evaluated: 2021-09-15. Review status: criteria provided, single submitter. Criteria: Invitae Variant Classification Sherloc (09022015). Collection method: clinical testing. Allele origin: germline.
Comment: This sequence change replaces glutamic acid with glutamine at codon 1727 of the DYSF protein (p.Glu1727Gln). The glutamic acid residue is moderately conserved and there is a small physicochemical difference between glutamic acid and glutamine. This variant is not present in population databases (ExAC no frequency). This variant has not been reported in the literature in individuals affected with DYSF-related conditions. Advanced modeling of protein sequence and biophysical properties (such as structural, functional, and spatial information, amino acid conservation, physicochemical variation, residue mobility, and thermodynamic stability) performed at Invitae indicates that this missense variant is not expected to disrupt DYSF protein function. In summary, the available evidence is currently insufficient to determine the role of this variant in disease. Therefore, it has been classified as a Variant of Uncertain Significance.